The following is an entry in ClinVar:

NM_001113378.2(FANCI):c.1992+3G>C

Gene: FANCI (FA complementation group I; plus strand). Cytogenetic location: 15q26.1.
Variant type: single nucleotide variant.
Coding change: c.1992+3G>C on transcript NM_001113378.2 (MANE Select); 3 bases into the intron after coding-DNA position 1992, G replaced by C.
Molecular consequence: intron variant.
Genome position (GRCh38, 1-based): chr15:89,291,717, G>C. VCF-style: chr15-89291717-G-C. GRCh37 (hg19) VCF-style: chr15-89834948-G-C.
Other names: c.1992+3G>C (NM_018193.3, NM_001376911.1); c.1713+3G>C (NM_001376910.1).
Identifiers: ClinVar variation 2063878 (VCV002063878.6), dbSNP rs1470626124, ClinGen allele CA619513351.

ClinVar aggregate classification (germline): Uncertain significance. Review status: criteria provided, multiple submitters, no conflicts (2 of 4 stars). 3 submissions from 3 submitters: Uncertain significance (3). Last evaluated 2025-03-22.

Conditions:
Fanconi anemia complementation group I (FANCI). Also called: FANCI-Related Fanconi Anemia. Identifiers: Orphanet 84, MedGen C1836861, MONDO:0012186, OMIM 609053.
Fanconi anemia (FA). Also called: Fanconi's anemia. Identifiers: Orphanet 84, MedGen C0015625, MeSH D005199, MONDO:0019391.

Allele frequency attached by ClinVar (database versions not stated): gnomAD exomes below 0.00001; TOPMed below 0.00001; gnomAD 0.00001.
gnomAD v4.1: 2 of 1,608,730 alleles (0.00012%); highest among the groups gnomAD compares: Admixed American, 0.0033%; no homozygotes.

Submissions (3):

Women's Health and Genetics/Laboratory Corporation of America, LabCorp
Classification: Uncertain significance. Last evaluated: 2025-03-22. Review status: criteria provided, single submitter. Criteria: LabCorp Variant Classification Summary - May 2015. Collection method: clinical testing. Allele origin: germline.

Fulgent Genetics
Classification: Uncertain significance for Fanconi anemia complementation group I. Last evaluated: 2024-01-19. Review status: criteria provided, single submitter. Criteria: ACMG Guidelines, 2015. Collection method: clinical testing. Allele origin: germline.

Labcorp Genetics (formerly Invitae), Labcorp
Classification: Uncertain significance for Fanconi anemia. Last evaluated: 2022-02-09. Review status: criteria provided, single submitter. Criteria: Invitae Variant Classification Sherloc (09022015). Collection method: clinical testing. Allele origin: germline.
Comment: This sequence change falls in intron 20 of the FANCI gene. It does not directly change the encoded amino acid sequence of the FANCI protein. It affects a nucleotide within the consensus splice site. This variant is present in population databases (no rsID available, gnomAD 0.003%). This variant has not been reported in the literature in individuals affected with FANCI-related conditions. Variants that disrupt the consensus splice site are a relatively common cause of aberrant splicing (PMID: 17576681, 9536098). Algorithms developed to predict the effect of sequence changes on RNA splicing suggest that this variant may disrupt the consensus splice site. In summary, the available evidence is currently insufficient to determine the role of this variant in disease. Therefore, it has been classified as a Variant of Uncertain Significance.

Literature cited by the submitters: PubMed 17576681 (cited by Labcorp Genetics (formerly Invitae), Labcorp); PubMed 9536098 (cited by Labcorp Genetics (formerly Invitae), Labcorp).